The following is an entry in ClinVar:

NM_000256.3(MYBPC3):c.984_1054del (p.Pro329fs)

Gene: MYBPC3 (myosin binding protein C3; minus strand). Cytogenetic location: 11p11.2.
Variant type: Deletion.
Coding change: c.984_1054del on transcript NM_000256.3 (MANE Select); coding-DNA positions 984 to 1054, 71 bases deleted.
Protein change: p.Pro329fs; shifts the reading frame from proline 329.
Genome position (GRCh38, 1-based): chr11:47,346,243-47,346,313, 71 bases deleted. GRCh37 (hg19): chr11:47,367,798-47,367,868.
Other names: short protein forms P329fs.
Identifiers: ClinVar variation 42814 (VCV000042814.5), dbSNP rs1555122751, ClinGen allele CA016227.

ClinVar aggregate classification (germline): Pathogenic/Likely pathogenic. Review status: criteria provided, multiple submitters, no conflicts (2 of 4 stars). 2 submissions from 2 submitters: Pathogenic (1); Likely pathogenic (1). Last evaluated 2026-04-09.

Conditions:
Hypertrophic cardiomyopathy. Also called: HYPERTROPHIC MYOCARDIOPATHY. Identifiers: Orphanet 217569, MedGen C0007194, MeSH D002312, MONDO:0005045, HP:0001639.

Submissions (2):

GeneDx
Classification: Likely pathogenic. Last evaluated: 2026-04-09. Review status: criteria provided, single submitter. Criteria: GeneDx Variant Classification Process June 2021. Collection method: clinical testing. Allele origin: germline.
Comment: Frameshift variant predicted to result in protein truncation or nonsense mediated decay in a gene for which loss of function is a known mechanism of disease; Not observed at significant frequency in large population cohorts (gnomAD); Has not been previously published as pathogenic or benign to our knowledge; This variant is associated with the following publications: (PMID: 20474083)

Laboratory for Molecular Medicine, Mass General Brigham Personalized Medicine
Classification: Pathogenic for Hypertrophic cardiomyopathy. Last evaluated: 2010-09-17. Review status: criteria provided, single submitter. Criteria: LMM Criteria. Collection method: clinical testing. Allele origin: germline. Observed: 1 variant allele.